The following is an entry in ClinVar:

NM_018082.6(POLR3B):c.847-10T>G

Gene: POLR3B (RNA polymerase III subunit B; plus strand). Cytogenetic location: 12q23.3.
Variant type: single nucleotide variant.
Coding change: c.847-10T>G on transcript NM_018082.6 (MANE Select); 10 bases into the intron before coding-DNA position 847, T replaced by G.
Molecular consequence: intron variant.
Genome position (GRCh38, 1-based): chr12:106,405,847, T>G. VCF-style: chr12-106405847-T-G. GRCh37 (hg19) VCF-style: chr12-106799625-T-G.
Other names: c.673-10T>G (NM_001160708.2).
Identifiers: ClinVar variation 3339965 (VCV003339965.1).

ClinVar aggregate classification (germline): Likely benign (1 of 4 stars; one submission).

Submission:

Women's Health and Genetics/Laboratory Corporation of America, LabCorp
Classification: Likely benign. Last evaluated: 2024-06-19. Review status: criteria provided, single submitter. Criteria: LabCorp Variant Classification Summary - May 2015. Collection method: clinical testing. Allele origin: germline.
Comment: Variant summary: POLR3B c.847-10T>G alters a non-conserved nucleotide located at a position not widely known to affect splicing. Consensus agreement among computation tools predict no significant impact on normal splicing. However, these predictions have yet to be confirmed by functional studies. The variant was absent in 251084 control chromosomes. The available data on variant occurrences in the general population are insufficient to allow any conclusion about variant significance. To our knowledge, no occurrence of c.847-10T>G in individuals affected with POLR3-Related Leukodystrophy and no experimental evidence demonstrating its impact on protein function have been reported. No submitters have cited clinical-significance assessments for this variant to ClinVar. Based on the evidence outlined above, the variant was classified as likely benign.